The following is an entry in ClinVar:

ClinVar aggregate classification (germline): Uncertain significance. Review status: criteria provided, multiple submitters, no conflicts (2 of 4 stars). 5 submissions from 5 submitters: Uncertain significance (5). Last evaluated 2025-09-27.

Conditions:
Cardiovascular phenotype. Identifiers: MedGen CN230736.
Arrhythmogenic right ventricular dysplasia 10. Also called: Arrhythmogenic Right Ventricular Dysplasia/Cardiomyopathy10; ARRHYTHMOGENIC RIGHT VENTRICULAR DYSPLASIA, FAMILIAL, 10; Arrhythmogenic right ventricular dysplasia/cardiomyopathy, type 10. Identifiers: MedGen C1857777, MONDO:0012434, OMIM 610193.
Dilated cardiomyopathy 1BB (CMD1BB). Also called: CARDIOMYOPATHY, DILATED, 1BB, SUSCEPTIBILITY TO. Identifiers: Orphanet 154, MedGen C2752072, MONDO:0013030, OMIM 612877.
Cardiomyopathy (CMYO). Also called: Cardiomyopathies. Identifiers: Orphanet 167848, MedGen C0878544, MONDO:0004994, HP:0001638. Inheritance: Various modes of inheritance.
Arrhythmogenic right ventricular cardiomyopathy (ARVD). Also called: Arrhythmogenic cardiomyopathy; Cardiomyopathy, ARVC; Arrhythmogenic right ventricular dysplasia; Arrhythmogenic Right Ventricular Cardiomyopathy (ARVC). Identifiers: Orphanet 247, MedGen C0349788, MeSH D019571, MONDO:0016587. Disease mechanism: loss of function. Inheritance: Various modes of inheritance.

Allele frequency attached by ClinVar (database versions not stated): gnomAD exomes below 0.00001; ExAC 0.00001; TOPMed 0.00001.
gnomAD v4.1: 1 of 1,614,196 alleles (0.000062%); highest among the groups gnomAD compares: Non-Finnish European, 0.000085%; no homozygotes.

Submissions (5):

Labcorp Genetics (formerly Invitae), Labcorp
Classification: Uncertain significance for Arrhythmogenic right ventricular dysplasia 10. Last evaluated: 2025-09-27. Review status: criteria provided, single submitter. Criteria: Invitae Variant Classification Sherloc (09022015). Collection method: clinical testing. Allele origin: germline.
Comment: This sequence change replaces glutamic acid, which is acidic and polar, with aspartic acid, which is acidic and polar, at codon 909 of the DSG2 protein (p.Glu909Asp). This variant is present in population databases (rs771675609, gnomAD 0.0009%). This variant has not been reported in the literature in individuals affected with DSG2-related conditions. ClinVar contains an entry for this variant (Variation ID: 629574). Invitae Evidence Modeling of protein sequence and biophysical properties (such as structural, functional, and spatial information, amino acid conservation, physicochemical variation, residue mobility, and thermodynamic stability) has been performed for this missense variant. However, the output from this modeling did not meet the statistical confidence thresholds required to predict the impact of this variant on DSG2 protein function. In summary, the available evidence is currently insufficient to determine the role of this variant in disease. Therefore, it has been classified as a Variant of Uncertain Significance.

Ambry Genetics
Classification: Uncertain significance for Cardiovascular phenotype. Last evaluated: 2024-11-27. Review status: criteria provided, single submitter. Criteria: Ambry Variant Classification Scheme 2023. Collection method: clinical testing. Allele origin: germline.
Comment: The p.E909D variant (also known as c.2727A>C), located in coding exon 15 of the DSG2 gene, results from an A to C substitution at nucleotide position 2727. The glutamic acid at codon 909 is replaced by aspartic acid, an amino acid with highly similar properties. This amino acid position is conserved. In addition, the in silico prediction for this alteration is inconclusive. Based on the available evidence, the clinical significance of this variant remains unclear.

All of Us Research Program, National Institutes of Health
Classification: Uncertain significance for Arrhythmogenic right ventricular cardiomyopathy. Last evaluated: 2024-07-20. Review status: criteria provided, single submitter. Criteria: ACMG Guidelines, 2015. Collection method: clinical testing. Allele origin: germline. Inheritance: Autosomal dominant inheritance. Observed: 5 variant alleles, 5 heterozygotes.
Comment: Variant of Uncertain Significance due to insufficient evidence: This missense variant is located in the cytoplasmic desmoglein repeat 1 of the DSG2 protein. Computational prediction tools and conservation analyses are inconclusive regarding the impact of this variant on the protein function. Computational splicing tools suggest that this variant may not impact RNA splicing. To our knowledge, functional assays have not been performed for this variant nor has this variant been reported in individuals affected with cardiovascular disorders in the literature. This variant has been identified in 1/245778 chromosomes in the general population by the Genome Aggregation Database (gnomAD). Available evidence is insufficient to determine the pathogenicity of this variant conclusively.

This study involves interpretation of variants in research participants for the purpose of population health screening. Participant phenotype was not available at the time of variant classification. Additional details can be found in publication PMID: 35346344, PMCID: PMC8962531

Color Diagnostics, LLC DBA Color Health
Classification: Uncertain significance for Cardiomyopathy. Last evaluated: 2024-03-06. Review status: criteria provided, single submitter. Criteria: ACMG Guidelines, 2015. Collection method: clinical testing. Allele origin: germline.
Comment: This missense variant replaces glutamic acid with aspartic acid at codon 909 of the DSG2 protein. Computational prediction suggests that this variant may not impact protein structure and function (internally defined REVEL score threshold <= 0.5, PMID: 27666373). To our knowledge, functional studies have not been reported for this variant. This variant has not been reported in individuals affected with DSG2-related disorders in the literature. This variant has been identified in 1/249130 chromosomes in the general population by the Genome Aggregation Database (gnomAD). The available evidence is insufficient to determine the role of this variant in disease conclusively. Therefore, this variant is classified as a Variant of Uncertain Significance.

Fulgent Genetics
Classification: Uncertain significance for Arrhythmogenic right ventricular dysplasia 10; Dilated cardiomyopathy 1BB. Last evaluated: 2021-08-11. Review status: criteria provided, single submitter. Criteria: ACMG Guidelines, 2015. Collection method: clinical testing. Allele origin: unknown.

NM_001943.5(DSG2):c.2727A>C (p.Glu909Asp)

Genes: DSG2 (desmoglein 2; plus strand), DSG2-AS1 (DSG2 antisense RNA 1; minus strand). Cytogenetic location: 18q12.1.
Variant type: single nucleotide variant.
Coding change: c.2727A>C on transcript NM_001943.5 (MANE Select); coding-DNA position 2727, A replaced by C.
Protein change: p.Glu909Asp; replaces glutamic acid 909 with aspartic acid.
Molecular consequence: missense variant.
Genome position (GRCh38, 1-based): chr18:31,546,113, A>C. VCF-style: chr18-31546113-A-C. GRCh37 (hg19) VCF-style: chr18-29126076-A-C.
Other names: c.2727A>C (NM_001943.3); short protein forms E909D.
Identifiers: ClinVar variation 629574 (VCV000629574.14), dbSNP rs771675609, ClinGen allele CA047013.